The following is an entry in ClinVar:

NM_003640.5(ELP1):c.3002T>C (p.Met1001Thr)

Gene: ELP1 (elongator acetyltransferase complex subunit 1; minus strand). Cytogenetic location: 9q31.3.
Variant type: single nucleotide variant.
Coding change: c.3002T>C on transcript NM_003640.5 (MANE Select); coding-DNA position 3002, T replaced by C.
Protein change: p.Met1001Thr; replaces methionine 1001 with threonine.
Molecular consequence: missense variant.
Genome position (GRCh38, 1-based): chr9:108,891,361, A>G on the plus strand (T>C on the coding strand, the complement: ELP1 is on the minus strand). VCF-style: chr9-108891361-A-G. GRCh37 (hg19) VCF-style: chr9-111653641-A-G.
Other names: c.2660T>C, p.Met887Thr (NM_001318360.2); c.1955T>C, p.Met652Thr (NM_001330749.2); short protein forms M1001T, M652T, M887T.
Identifiers: ClinVar variation 842314 (VCV000842314.5), dbSNP rs144959233, ClinGen allele CA5174465.

ClinVar aggregate classification (germline): Uncertain significance. Review status: criteria provided, multiple submitters, no conflicts (2 of 4 stars). 3 submissions from 3 submitters: Uncertain significance (2). 1 of the submissions does not count toward it. Last evaluated 2022-03-14.

Conditions:
Familial dysautonomia. Also called: HSAN III; FD. Identifiers: Orphanet 1764, MedGen C0013364, MONDO:0009131, OMIM 223900. Disease mechanism: loss of function.

Allele frequency attached by ClinVar (database versions not stated): TOPMed 0.00002; ExAC 0.00003.

Submissions (3):

Ambry Genetics
Classification: Uncertain significance. Last evaluated: 2022-03-14. Review status: criteria provided, single submitter. Criteria: Ambry Variant Classification Scheme 2023. Collection method: clinical testing. Allele origin: germline.
Comment: The p.M1001T variant (also known as c.3002T>C), located in coding exon 27 of the IKBKAP gene, results from a T to C substitution at nucleotide position 3002. The methionine at codon 1001 is replaced by threonine, an amino acid with similar properties. This amino acid position is conserved. In addition, this alteration is predicted to be tolerated by in silico analysis. Since supporting evidence is limited at this time, the clinical significance of this alteration remains unclear.

Labcorp Genetics (formerly Invitae), Labcorp
Classification: Uncertain significance. Last evaluated: 2021-09-01. Review status: criteria provided, single submitter. Criteria: Invitae Variant Classification Sherloc (09022015). Collection method: clinical testing. Allele origin: germline.
Comment: This sequence change replaces methionine with threonine at codon 1001 of the ELP1 protein (p.Met1001Thr). The methionine residue is weakly conserved and there is a moderate physicochemical difference between methionine and threonine. This variant is present in population databases (rs144959233, ExAC 0.006%). This variant has not been reported in the literature in individuals affected with ELP1-related conditions. ClinVar contains an entry for this variant (Variation ID: 842314). Algorithms developed to predict the effect of missense changes on protein structure and function (SIFT, PolyPhen-2, Align-GVGD) all suggest that this variant is likely to be tolerated. In summary, the available evidence is currently insufficient to determine the role of this variant in disease. Therefore, it has been classified as a Variant of Uncertain Significance.

Natera, Inc.
Classification: Uncertain significance for Familial dysautonomia. Last evaluated: 2020-09-16. Review status: no assertion criteria provided. Collection method: clinical testing. Allele origin: germline. Not counted in ClinVar's aggregate classification.